The following is an entry in ClinVar:

ClinVar aggregate classification (germline): Likely pathogenic (1 of 4 stars; one submission).

Conditions:
Intellectual developmental disorder, autosomal recessive 65. Also called: MENTAL RETARDATION, AUTOSOMAL RECESSIVE 65; Intellectual disability, autosomal recessive 65. Identifiers: MedGen C4748219, MONDO:0020850, OMIM 618109.

Submission:

Dasa
Classification: Likely pathogenic for Intellectual developmental disorder, autosomal recessive 65. Last evaluated: 2024-12-03. Review status: criteria provided, single submitter. Criteria: DASA Assertion Criteria. Collection method: clinical testing. Allele origin: germline.
Comment: NM_006618.5(KDM5B):c.3907A>T (p.Lys1303*) is a nonsense variant in KDM5B predicted to introduce a premature termination codon and is predicted to result in an absent or altered protein product. Loss of function is an established disease mechanism for KDM5B-associated disorders. Also, this variant is absent from population databases. Based on the currently available evidence, this variant is classified as likely pathogenic.

NM_006618.5(KDM5B):c.3907A>T (p.Lys1303Ter)

Gene: KDM5B (lysine demethylase 5B; minus strand). Cytogenetic location: 1q32.1.
Variant type: single nucleotide variant.
Coding change: c.3907A>T on transcript NM_006618.5 (MANE Select); coding-DNA position 3907, A replaced by T.
Protein change: p.Lys1303Ter; replaces lysine 1303 with a stop codon.
Molecular consequence: nonsense.
Genome position (GRCh38, 1-based): chr1:202,733,403, T>A on the plus strand (A>T on the coding strand, the complement: KDM5B is on the minus strand). VCF-style: chr1-202733403-T-A. GRCh37 (hg19) VCF-style: chr1-202702531-T-A.
Other names: c.4015A>T, p.Lys1339Ter (NM_001314042.2); c.3772A>T, p.Lys1258Ter (NM_001347591.2); c.3892A>T, p.Lys1298Ter (NM_001399817.1); short protein forms K1258*, K1298*, K1303*, K1339*.
Identifiers: ClinVar variation 4881905 (VCV004881905.2).